The following is an entry in ClinVar:

ClinVar aggregate classification (germline): Uncertain significance (1 of 4 stars; one submission).

Conditions:
Gnathodiaphyseal dysplasia (GDD). Also called: GNATHODIAPHYSEAL SCLEROSIS; OSTEOGENESIS IMPERFECTA WITH UNUSUAL SKELETAL LESIONS. Identifiers: Orphanet 53697, MedGen C1833736, MONDO:0008151, OMIM 166260.
Autosomal recessive limb-girdle muscular dystrophy type 2L (LGMDR12). Also called: Limb-girdle muscular dystrophy, type 2L; MUSCULAR DYSTROPHY, LIMB-GIRDLE, AUTOSOMAL RECESSIVE 12; Limb-Girdle Muscular Dystrophy R12 Anoctamin-5-Related (LGMD-R12). Identifiers: Orphanet 206549, MedGen C1969785, MONDO:0012652, OMIM 611307.

gnomAD v4.1: 20 of 1,614,066 alleles (0.0012%); highest among the groups gnomAD compares: Non-Finnish European, 0.0017%; no homozygotes.

Submission:

Labcorp Genetics (formerly Invitae), Labcorp
Classification: Uncertain significance for Autosomal recessive limb-girdle muscular dystrophy type 2L; Gnathodiaphyseal dysplasia. Last evaluated: 2024-07-24. Review status: criteria provided, single submitter. Criteria: Invitae Variant Classification Sherloc (09022015). Collection method: clinical testing. Allele origin: germline.
Comment: This sequence change replaces valine, which is neutral and non-polar, with leucine, which is neutral and non-polar, at codon 473 of the ANO5 protein (p.Val473Leu). This variant is present in population databases (rs202040709, gnomAD 0.0009%). This variant has not been reported in the literature in individuals affected with ANO5-related conditions. Advanced modeling of protein sequence and biophysical properties (such as structural, functional, and spatial information, amino acid conservation, physicochemical variation, residue mobility, and thermodynamic stability) performed at Invitae indicates that this missense variant is not expected to disrupt ANO5 protein function with a negative predictive value of 95%. In summary, the available evidence is currently insufficient to determine the role of this variant in disease. Therefore, it has been classified as a Variant of Uncertain Significance.

NM_213599.3(ANO5):c.1417G>C (p.Val473Leu)

Gene: ANO5 (anoctamin 5; plus strand). Cytogenetic location: 11p14.3.
Variant type: single nucleotide variant.
Coding change: c.1417G>C on transcript NM_213599.3 (MANE Select); coding-DNA position 1417, G replaced by C.
Protein change: p.Val473Leu; replaces valine 473 with leucine.
Molecular consequence: missense variant.
Genome position (GRCh38, 1-based): chr11:22,259,528, G>C. VCF-style: chr11-22259528-G-C. GRCh37 (hg19) VCF-style: chr11-22281074-G-C.
Other names: c.1414G>C, p.Val472Leu (NM_001142649.2); c.1375G>C, p.Val459Leu (NM_001410963.1); c.1372G>C, p.Val458Leu (NM_001410964.1); short protein forms V458L, V472L, V473L, V459L.
Identifiers: ClinVar variation 2938677 (VCV002938677.3), dbSNP rs202040709, ClinGen allele CA218765574.